The following is an entry in ClinVar:

NM_020987.5(ANK3):c.756G>A (p.Thr252=)

Gene: ANK3 (ankyrin 3; minus strand). Cytogenetic location: 10q21.2.
Variant type: single nucleotide variant.
Coding change: c.756G>A on transcript NM_020987.5 (MANE Select); coding-DNA position 756, G replaced by A.
Protein change: p.Thr252=; no amino-acid change (threonine 252 retained).
Molecular consequence: synonymous variant.
Genome position (GRCh38, 1-based): chr10:60,261,901, C>T on the plus strand (G>A on the coding strand, the complement: ANK3 is on the minus strand). VCF-style: chr10-60261901-C-T. GRCh37 (hg19) VCF-style: chr10-62021659-C-T.
Other names: c.738G>A, p.Thr246= (NM_001204403.2); c.705G>A, p.Thr235= (NM_001204404.2); c.756G>A, p.Thr252= (NM_001320874.2).
Identifiers: ClinVar variation 128376 (VCV000128376.53), dbSNP rs117266082, ClinGen allele CA151801.

ClinVar aggregate classification (germline): Benign/Likely benign. Review status: criteria provided, multiple submitters, no conflicts (2 of 4 stars). 4 submissions from 4 submitters: Benign (1); Likely benign (2). 1 of the submissions does not count toward it. Last evaluated 2026-09-01.

Allele frequency attached by ClinVar (database versions not stated): 1000 Genomes Project 30x 0.00219; ExAC 0.00224; 1000 Genomes Project 0.00240; gnomAD 0.00275 and 0.00280; TOPMed 0.00275; ESP Exome Variant Server 0.00346.
gnomAD v4.1: 7,253 of 1,614,098 alleles (0.45%); highest among the groups gnomAD compares: Non-Finnish European, 0.56%; 28 homozygotes.

Submissions (4):

CeGaT Center for Human Genetics Tuebingen
Classification: Likely benign. Last evaluated: 2026-09-01. Review status: criteria provided, single submitter. Criteria: CeGaT Center For Human Genetics Tuebingen Variant Classification Criteria Version 2. Collection method: clinical testing. Allele origin: germline. Affected: yes. Observed: 41 variant alleles.
Comment: ANK3: BP4, BP7, BS2

Labcorp Genetics (formerly Invitae), Labcorp
Classification: Benign. Last evaluated: 2026-01-29. Review status: criteria provided, single submitter. Criteria: Invitae Variant Classification Sherloc (09022015). Collection method: clinical testing. Allele origin: germline.

Blueprint Genetics
Classification: Likely benign. Last evaluated: 2024-11-20. Review status: criteria provided, single submitter. Criteria: ACMG Guidelines, 2015. Collection method: clinical testing. Allele origin: germline.

Genetic Services Laboratory, University of Chicago
Classification: Likely benign for AllHighlyPenetrant. Review status: no assertion criteria provided. Collection method: clinical testing. Allele origin: germline. Inheritance: Autosomal recessive inheritance. Not counted in ClinVar's aggregate classification.
Comment: Likely benign based on allele frequency in 1000 Genomes Project or ESP global frequency and its presence in a patient with a rare or unrelated disease phenotype. NOT Sanger confirmed.